The following is an entry in ClinVar:

ClinVar aggregate classification (germline): Uncertain significance (1 of 4 stars; one submission).

Conditions:
Frasier syndrome. Identifiers: Orphanet 347, MedGen C0950122, MeSH D052159, MONDO:0007635, OMIM 136680.
Drash syndrome (DDS). Also called: NEPHROPATHY, WILMS TUMOR, AND GENITAL ANOMALIES; WILMS TUMOR AND PSEUDO- OR TRUE HERMAPHRODITISM. Identifiers: Orphanet 220, MedGen C0950121, MONDO:0008682, OMIM 194080.
Wilms tumor 1 (WT1). Also called: Wilms tumor, somatic. Identifiers: Orphanet 654, MedGen CN033288, MONDO:0008679, OMIM 194070.
11p partial monosomy syndrome (WAGR). Also called: CHROMOSOME 11p13 DELETION SYNDROME; WAGR syndrome; WAGR Complex; WAGR Spectrum Disorder. Identifiers: Orphanet 893, MedGen C0206115, MONDO:0008681, OMIM 194072.

Submission:

Labcorp Genetics (formerly Invitae), Labcorp
Classification: Uncertain significance for Wilms tumor 1; Drash syndrome; 11p partial monosomy syndrome; Frasier syndrome. Last evaluated: 2023-09-22. Review status: criteria provided, single submitter. Criteria: Invitae Variant Classification Sherloc (09022015). Collection method: clinical testing. Allele origin: germline.
Comment: This variant has not been reported in the literature in individuals affected with WT1-related conditions. In summary, the available evidence is currently insufficient to determine the role of this variant in disease. Therefore, it has been classified as a Variant of Uncertain Significance. Information on the frequency of this variant in the gnomAD database is not available, as this variant may be reported differently in the database. This sequence change falls in intron 3 of the WT1 gene. It does not directly change the encoded amino acid sequence of the WT1 protein.

NM_024426.6(WT1):c.887+15_887+16delinsAA

Gene: WT1 (WT1 transcription factor; minus strand). Cytogenetic location: 11p13.
Variant type: Indel.
Coding change: c.887+15_887+16delinsAA on transcript NM_024426.6 (MANE Select); bases 15 to 16 of the intron after coding-DNA position 887, GG replaced by AA.
Molecular consequence: intron variant.
Genome position (GRCh38, 1-based): chr11:32,427,940-32,427,941, CC replaced by TT on the plus strand (GG replaced by AA on the coding strand, the reverse complement: WT1 is on the minus strand). VCF-style: chr11-32427940-CC-TT. GRCh37 (hg19) VCF-style: chr11-32449486-CC-TT.
Other names: c.764+15_764+16delinsAA (NM_001407050.1, NM_001407047.1); c.887+15_887+16delinsAA (NM_001407048.1, NM_001407049.1, NM_000378.6 and 4 more transcripts); c.125+15_125+16delinsAA (NM_001407051.1); c.236+15_236+16delinsAA (NM_001198552.2, NM_001198551.2).
Identifiers: ClinVar variation 2952168 (VCV002952168.3), dbSNP rs2494424485, ClinGen allele CA2740093675.